The following is an entry in ClinVar:

NM_021628.3(ALOXE3):c.1654del (p.Ala552fs)

Gene: ALOXE3 (arachidonate epidermal lipoxygenase 3; minus strand). Cytogenetic location: 17p13.1.
Variant type: Deletion.
Coding change: c.1654del on transcript NM_021628.3 (MANE Select); coding-DNA position 1654, one base deleted (G; older notation c.1654delG).
Protein change: p.Ala552fs; shifts the reading frame from alanine 552.
Molecular consequence: frameshift variant.
Genome position (GRCh38, 1-based): chr17:8,108,498, C deleted on the plus strand (G on the coding strand, the reverse complement: ALOXE3 is on the minus strand). VCF-style (leftmost placement, unchanged base first): chr17-8108497-GC-G. GRCh37 (hg19) VCF-style: chr17-8011815-GC-G.
Other names: c.2050del, p.Ala684fs (NM_001165960.1); c.1651del, p.Ala551fs (NM_001369446.1); short protein forms A551fs, A552fs, A684fs.
Identifiers: ClinVar variation 4856998 (VCV004856998.1).

ClinVar aggregate classification (germline): Pathogenic (1 of 4 stars; one submission).

Conditions:
Ichthyosis and erythrokeratoderma.

Submission:

Genetics Laboratory, Great Ormond Street Hospital NHS Foundation Trust, North Thames Genomic Laboratory Hub
Classification: Pathogenic for Ichthyosis and erythrokeratoderma. Last evaluated: 2026-04-27. Review status: criteria provided, single submitter. Criteria: ACGS Best Practice Guidelines for Variant Classification in Rare Disease 2024 v1.2. Collection method: clinical testing. Allele origin: germline. Affected: yes.
Comment: PM2_moderate, PVS1_very-strong, PM3_supporting